The following is an entry in ClinVar:

ClinVar aggregate classification (germline): Conflicting classifications of pathogenicity. Review status: criteria provided, conflicting classifications (1 of 4 stars). 4 submissions from 4 submitters: Uncertain significance (3); Likely benign (1). Last evaluated 2026-01-19.

Conditions:
Inborn genetic diseases. Identifiers: MedGen C0950123, MeSH D030342.
Hereditary spastic paraplegia 7 (SPG7). Also called: SPASTIC PARAPLEGIA 7, AUTOSOMAL RECESSIVE, WITH OR WITHOUT CEREBELLAR ATAXIA; Spastic paraplegia 7; Hereditary spastic paraplegia Paraplegin type; Autosomal recessive spastic paraplegia type 7; SPG7-related neurologic disorder. Identifiers: Orphanet 99013, MedGen C1846564, MONDO:0011803, OMIM 607259.

Allele frequency attached by ClinVar (database versions not stated): gnomAD 0.00002; gnomAD exomes 0.00012; ExAC 0.00004.
gnomAD v4.1: 34 of 1,585,254 alleles (0.0021%); highest among the groups gnomAD compares: Admixed American, 0.056%; no homozygotes.

Submissions (4):

Labcorp Genetics (formerly Invitae), Labcorp
Classification: Likely benign for Hereditary spastic paraplegia 7. Last evaluated: 2026-01-19. Review status: criteria provided, single submitter. Criteria: Invitae Variant Classification Sherloc (09022015). Collection method: clinical testing. Allele origin: germline.

Ambry Genetics
Classification: Uncertain significance for Inborn genetic diseases. Last evaluated: 2025-03-22. Review status: criteria provided, single submitter. Criteria: Ambry Variant Classification Scheme 2023. Collection method: clinical testing. Allele origin: germline.

GeneDx
Classification: Uncertain significance. Last evaluated: 2023-09-14. Review status: criteria provided, single submitter. Criteria: GeneDx Variant Classification Process June 2021. Collection method: clinical testing. Allele origin: germline. Affected: yes.
Comment: In silico analysis supports that this missense variant has a deleterious effect on protein structure/function; Has not been previously published as pathogenic or benign to our knowledge

Eurofins Ntd Llc (ga)
Classification: Uncertain significance. Last evaluated: 2014-11-08. Review status: criteria provided, single submitter. Criteria: EGL Classification Definitions 2015. Collection method: clinical testing. Allele origin: germline. Observed: 1 variant allele, 1 heterozygote.

NM_003119.4(SPG7):c.234G>T (p.Leu78Phe)

Gene: SPG7 (SPG7 matrix AAA peptidase subunit, paraplegin; plus strand). Cytogenetic location: 16q24.3.
Variant type: single nucleotide variant.
Coding change: c.234G>T on transcript NM_003119.4 (MANE Select); coding-DNA position 234, G replaced by T.
Protein change: p.Leu78Phe; replaces leucine 78 with phenylalanine.
Molecular consequence: missense variant.
Genome position (GRCh38, 1-based): chr16:89,510,540, G>T. VCF-style: chr16-89510540-G-T. GRCh37 (hg19) VCF-style: chr16-89576948-G-T.
Other names: c.234G>T, p.Leu78Phe (NM_001363850.1, NM_199367.3); c.234G>T (NM_003119.2); short protein forms L78F.
Identifiers: ClinVar variation 195194 (VCV000195194.14), dbSNP rs770487062, ClinGen allele CA241505.